The following is an entry in ClinVar:

ClinVar aggregate classification (germline): Uncertain significance (1 of 4 stars; one submission).

Conditions:
Jeune thoracic dystrophy. Also called: Jeune syndrome; Infantile thoracic dystrophy; Thoracic pelvic phalangeal dystrophy; Jeune's syndrome; Chondroectodermal dysplasia-like syndrome; Short-rib thoracic dysplasia. Identifiers: Orphanet 474, MedGen C0265275, MONDO:0018770.
Nephronophthisis. Also called: Juvenile Nephronophthisis. Identifiers: Orphanet 655, MedGen C0687120, MONDO:0019005, HP:0000090.

Allele frequency attached by ClinVar (database versions not stated): TOPMed 0.00001.

Submission:

Labcorp Genetics (formerly Invitae), Labcorp
Classification: Uncertain significance for Jeune thoracic dystrophy; Nephronophthisis. Last evaluated: 2022-08-31. Review status: criteria provided, single submitter. Criteria: Invitae Variant Classification Sherloc (09022015). Collection method: clinical testing. Allele origin: germline.
Comment: This sequence change replaces serine, which is neutral and polar, with proline, which is neutral and non-polar, at codon 601 of the TTC21B protein (p.Ser601Pro). In summary, the available evidence is currently insufficient to determine the role of this variant in disease. Therefore, it has been classified as a Variant of Uncertain Significance. Algorithms developed to predict the effect of missense changes on protein structure and function output the following: SIFT: "Tolerated"; PolyPhen-2: "Benign"; Align-GVGD: "Class C0". The proline amino acid residue is found in multiple mammalian species, which suggests that this missense change does not adversely affect protein function. ClinVar contains an entry for this variant (Variation ID: 1364698). This variant has not been reported in the literature in individuals affected with TTC21B-related conditions. This variant is not present in population databases (gnomAD no frequency).

NM_024753.5(TTC21B):c.1801T>C (p.Ser601Pro)

Gene: TTC21B (tetratricopeptide repeat domain 21B; minus strand). Cytogenetic location: 2q24.3.
Variant type: single nucleotide variant.
Coding change: c.1801T>C on transcript NM_024753.5 (MANE Select); coding-DNA position 1801, T replaced by C.
Protein change: p.Ser601Pro; replaces serine 601 with proline.
Molecular consequence: missense variant.
Genome position (GRCh38, 1-based): chr2:165,917,355, A>G on the plus strand (T>C on the coding strand, the complement: TTC21B is on the minus strand). VCF-style: chr2-165917355-A-G. GRCh37 (hg19) VCF-style: chr2-166773865-A-G.
Other names: short protein forms S601P.
Identifiers: ClinVar variation 1364698 (VCV001364698.6), dbSNP rs1686214416, ClinGen allele CA349060083.